The following is an entry in ClinVar:

ClinVar aggregate classification (germline): Uncertain significance (0 of 4 stars; one submission).

Conditions:
Prostate cancer. Also called: Malignant tumor of prostate. Identifiers: Orphanet 1331, MedGen C0376358, MONDO:0008315, HP:0012125.

Allele frequency attached by ClinVar (database versions not stated): gnomAD exomes below 0.00001; ExAC 0.00001.
gnomAD v4.1: 1 of 1,614,076 alleles (0.000062%); highest among the groups gnomAD compares: South Asian, 0.0011%; no homozygotes.

Submission:

Science for Life laboratory,  Karolinska Institutet
Classification: Uncertain significance for Malignant tumor of prostate. Review status: no assertion criteria provided. Collection method: not provided. Allele origin: somatic.
Comment: TumorID:SWE-2
ClinVar note: Converted during submission from Unknown to Uncertain significance.

NM_153766.3(KCNJ1):c.1094A>T (p.Asn365Ile)

Gene: KCNJ1 (potassium inwardly rectifying channel subfamily J member 1; minus strand). Cytogenetic location: 11q24.3.
Variant type: single nucleotide variant.
Coding change: c.1094A>T on transcript NM_153766.3 (MANE Select); coding-DNA position 1094, A replaced by T.
Protein change: p.Asn365Ile; replaces asparagine 365 with isoleucine.
Molecular consequence: missense variant.
Genome position (GRCh38, 1-based): chr11:128,839,150, T>A on the plus strand (A>T on the coding strand, the complement: KCNJ1 is on the minus strand). VCF-style: chr11-128839150-T-A. GRCh37 (hg19) VCF-style: chr11-128709045-T-A.
Other names: c.1151A>T, p.Asn384Ile (NM_000220.6); c.1094A>T, p.Asn365Ile (NM_153764.3, NM_153767.4); c.1145A>T, p.Asn382Ile (NM_153765.3); short protein forms N365I, N382I, N384I.
Identifiers: ClinVar variation 161825 (VCV000161825.2), dbSNP rs193920958, ClinGen allele CA174855.
Genomic context (GRCh38, chr11:128,839,150, plus strand): 5'-AGAGACTTTGCTTTACTCCCGTTGAAAAGCCACTGTTACATTTTGGTGTCATCTGTTTCA[T>A]TGACTTCTGACAAGATGAAGTTGGGGTTGTCATAGCCTCTCTTCATCCTGGCTCTAACAT-3'
Protein context (NP_722450.1, residues 355-372): DNPNFILSEV[Asn365Ile]ETDDTKM